The following is an entry in ClinVar:

ClinVar aggregate classification (germline): Uncertain significance (1 of 4 stars; one submission).

Conditions:
Arrhythmogenic cardiomyopathy with wooly hair and keratoderma. Also called: Dilated cardiomyopathy with woolly hair and keratoderma; Arrhythmogenic cardiomyopathy with woolly hair and keratoderma; Carvajal syndrome; PALMOPLANTAR KERATODERMA WITH LEFT VENTRICULAR CARDIOMYOPATHY AND WOOLLY HAIR. Identifiers: Orphanet 65282, MedGen C1854063, MONDO:0011581, OMIM 605676.
Arrhythmogenic right ventricular dysplasia 8 (ARVD8). Also called: ARRHYTHMOGENIC RIGHT VENTRICULAR DYSPLASIA, FAMILIAL, 8; ARRHYTHMOGENIC RIGHT VENTRICULAR CARDIOMYOPATHY 8; Arrhythmogenic Right Ventricular Dysplasia/Cardiomyopathy 8. Identifiers: MedGen C1843896, MONDO:0011831, OMIM 607450.

Submission:

Labcorp Genetics (formerly Invitae), Labcorp
Classification: Uncertain significance for Arrhythmogenic cardiomyopathy with wooly hair and keratoderma; Arrhythmogenic right ventricular dysplasia 8. Last evaluated: 2021-03-19. Review status: criteria provided, single submitter. Criteria: Invitae Variant Classification Sherloc (09022015). Collection method: clinical testing. Allele origin: germline.
Comment: In summary, the available evidence is currently insufficient to determine the role of this variant in disease. Therefore, it has been classified as a Variant of Uncertain Significance. This sequence change replaces glycine with serine at codon 2299 of the DSP protein (p.Gly2299Ser). The glycine residue is highly conserved and there is a small physicochemical difference between glycine and serine. This variant is not present in population databases (ExAC no frequency). This variant has not been reported in the literature in individuals with DSP-related disease. Algorithms developed to predict the effect of missense changes on protein structure and function (SIFT, PolyPhen-2, Align-GVGD) all suggest that this variant is likely to be disruptive, but these predictions have not been confirmed by published functional studies and their clinical significance is uncertain.

NM_004415.4(DSP):c.6895G>A (p.Gly2299Ser)

Gene: DSP (desmoplakin; plus strand). Cytogenetic location: 6p24.3.
Variant type: single nucleotide variant.
Coding change: c.6895G>A on transcript NM_004415.4 (MANE Select); coding-DNA position 6895, G replaced by A.
Protein change: p.Gly2299Ser; replaces glycine 2299 with serine.
Molecular consequence: missense variant.
Genome position (GRCh38, 1-based): chr6:7,584,157, G>A. VCF-style: chr6-7584157-G-A. GRCh37 (hg19) VCF-style: chr6-7584390-G-A.
Other names: c.6895G>A (LRG_423t1); c.5098G>A, p.Gly1700Ser (NM_001008844.3); c.5566G>A, p.Gly1856Ser (NM_001319034.2); short protein forms G2299S, G1856S, G1700S.
Identifiers: ClinVar variation 580686 (VCV000580686.9), dbSNP rs1561703092, ClinGen allele CA362691787.